The following is an entry in ClinVar:

NM_021926.4(ALX4):c.*944G>T

Gene: ALX4 (ALX homeobox 4; minus strand). Cytogenetic location: 11p11.2.
Variant type: single nucleotide variant.
Coding change: c.*944G>T on transcript NM_021926.4 (MANE Select); 944 bases downstream of the stop codon, G replaced by T.
Molecular consequence: 3 prime UTR variant.
Genome position (GRCh38, 1-based): chr11:44,263,910, C>A on the plus strand (G>T on the coding strand, the complement: ALX4 is on the minus strand). VCF-style: chr11-44263910-C-A. GRCh37 (hg19) VCF-style: chr11-44285460-C-A.
Other names: c.*944G>T (LRG_1256t1).
Identifiers: ClinVar variation 304676 (VCV000304676.5), dbSNP rs188954464, ClinGen allele CA10638561.

ClinVar aggregate classification (germline): Benign (1 of 4 stars; one submission).

Conditions:
Parietal foramina 2 (PFM2). Identifiers: Orphanet 60015, MedGen C1865044, MONDO:0012309, OMIM 609597.

Allele frequency attached by ClinVar (database versions not stated): 1000 Genomes Project 30x 0.00125; TOPMed 0.00139; 1000 Genomes Project 0.00140.

Submission:

Illumina Laboratory Services, Illumina
Classification: Benign for Parietal foramina 2. Last evaluated: 2018-01-13. Review status: criteria provided, single submitter. Criteria: ICSL Variant Classification Criteria 13 December 2019. Collection method: clinical testing. Allele origin: germline.
Comment: This variant was observed in the ICSL laboratory as part of a predisposition screen in an ostensibly healthy population. It had not been previously curated by ICSL or reported in the Human Gene Mutation Database (HGMD: prior to June 1st, 2018), and was therefore a candidate for classification through an automated scoring system. Utilizing variant allele frequency, disease prevalence and penetrance estimates, and inheritance mode, an automated score was calculated to assess if this variant is too frequent to cause the disease. Based on the score and internal cut-off values, a variant classified as benign is not then subjected to further curation. The score for this variant resulted in a classification of benign for this disease.